The following is an entry in ClinVar:

ClinVar aggregate classification (germline): Uncertain significance (1 of 4 stars; one submission).

gnomAD v4.1: 14 of 1,613,642 alleles (0.00087%); highest among the groups gnomAD compares: African/African-American, 0.0027%; no homozygotes.

Submission:

Labcorp Genetics (formerly Invitae), Labcorp
Classification: Uncertain significance. Last evaluated: 2025-11-15. Review status: criteria provided, single submitter. Criteria: Invitae Variant Classification Sherloc (09022015). Collection method: clinical testing. Allele origin: germline.
Comment: This sequence change replaces arginine, which is basic and polar, with serine, which is neutral and polar, at codon 156 of the KLHL3 protein (p.Arg156Ser). The frequency data for this variant in the population databases is considered unreliable, as metrics indicate poor data quality at this position in the gnomAD database. This variant has not been reported in the literature in individuals affected with KLHL3-related conditions. Invitae Evidence Modeling of protein sequence and biophysical properties (such as structural, functional, and spatial information, amino acid conservation, physicochemical variation, residue mobility, and thermodynamic stability) indicates that this missense variant is not expected to disrupt KLHL3 protein function with a negative predictive value of 80%. In summary, the available evidence is currently insufficient to determine the role of this variant in disease. Therefore, it has been classified as a Variant of Uncertain Significance.

NM_017415.3(KLHL3):c.466C>A (p.Arg156Ser)

Gene: KLHL3 (kelch like family member 3; minus strand). Cytogenetic location: 5q31.2.
Variant type: single nucleotide variant.
Coding change: c.466C>A on transcript NM_017415.3 (MANE Select); coding-DNA position 466, C replaced by A.
Protein change: p.Arg156Ser; replaces arginine 156 with serine.
Molecular consequence: missense variant.
Genome position (GRCh38, 1-based): chr5:137,692,345, G>T on the plus strand (C>A on the coding strand, the complement: KLHL3 is on the minus strand). VCF-style: chr5-137692345-G-T. GRCh37 (hg19) VCF-style: chr5-137028034-G-T.
Other names: c.370C>A, p.Arg124Ser (NM_001257194.1); c.220C>A, p.Arg74Ser (NM_001257195.2); short protein forms R156S, R124S, R74S.
Identifiers: ClinVar variation 4697931 (VCV004697931.1).